The following is an entry in ClinVar:

NM_001365088.1(SLC12A6):c.2614G>A (p.Ala872Thr)

Genes: SLC12A6 (solute carrier family 12 member 6; minus strand), LOC126862097 (P300/CBP strongly-dependent group 1 enhancer GRCh37_chr15:34531007-34532206; plus strand). Cytogenetic location: 15q14.
Variant type: single nucleotide variant.
Coding change: c.2614G>A on transcript NM_001365088.1 (MANE Select); coding-DNA position 2614, G replaced by A.
Protein change: p.Ala872Thr; replaces alanine 872 with threonine.
Molecular consequence: missense variant.
Genome position (GRCh38, 1-based): chr15:34,238,983, C>T on the plus strand (G>A on the coding strand, the complement: SLC12A6 is on the minus strand). VCF-style: chr15-34238983-C-T. GRCh37 (hg19) VCF-style: chr15-34531184-C-T.
Other names: c.2437G>A, p.Ala813Thr (NM_001042494.2, NM_001042495.2); c.2587G>A, p.Ala863Thr (NM_001042496.2); c.2569G>A, p.Ala857Thr (NM_001042497.2); c.2461G>A, p.Ala821Thr (NM_005135.2); c.2614G>A, p.Ala872Thr (NM_133647.2); short protein forms A821T, A857T, A872T, A813T, A863T.
Identifiers: ClinVar variation 3714101 (VCV003714101.3).

ClinVar aggregate classification (germline): Uncertain significance. Review status: criteria provided, multiple submitters, no conflicts (2 of 4 stars). 2 submissions from 2 submitters: Uncertain significance (2). Last evaluated 2025-07-23.

gnomAD v4.1: 28 of 1,613,998 alleles (0.0017%); highest among the groups gnomAD compares: Middle Eastern, 0.017%; no homozygotes.

Submissions (2):

Labcorp Genetics (formerly Invitae), Labcorp
Classification: Uncertain significance. Last evaluated: 2025-07-23. Review status: criteria provided, single submitter. Criteria: Invitae Variant Classification Sherloc (09022015). Collection method: clinical testing. Allele origin: germline.
Comment: This sequence change replaces alanine, which is neutral and non-polar, with threonine, which is neutral and polar, at codon 872 of the SLC12A6 protein (p.Ala872Thr). This variant is present in population databases (rs771970835, gnomAD 0.003%). This variant has not been reported in the literature in individuals affected with SLC12A6-related conditions. ClinVar contains an entry for this variant (Variation ID: 3714101). Invitae Evidence Modeling of protein sequence and biophysical properties (such as structural, functional, and spatial information, amino acid conservation, physicochemical variation, residue mobility, and thermodynamic stability) indicates that this missense variant is not expected to disrupt SLC12A6 protein function with a negative predictive value of 95%. In summary, the available evidence is currently insufficient to determine the role of this variant in disease. Therefore, it has been classified as a Variant of Uncertain Significance.

GeneDx
Classification: Uncertain significance. Last evaluated: 2025-04-23. Review status: criteria provided, single submitter. Criteria: GeneDx Variant Classification Process June 2021. Collection method: clinical testing. Allele origin: germline. Affected: yes.
Comment: Not observed at significant frequency in large population cohorts (gnomAD); In silico analysis indicates that this missense variant does not alter protein structure/function; Has not been previously published as pathogenic or benign to our knowledge